The following is an entry in ClinVar:

ClinVar aggregate classification (germline): Uncertain significance (1 of 4 stars; one submission).

Conditions:
Hereditary spastic paraplegia 48. Also called: Spastic paraplegia 48; SPASTIC PARAPLEGIA 48, AUTOSOMAL RECESSIVE. Identifiers: Orphanet 306511, MedGen C3150901, MONDO:0013342, OMIM 613647.

Allele frequency attached by ClinVar (database versions not stated): gnomAD exomes below 0.00001.
gnomAD v4.1: 3 of 1,608,984 alleles (0.00019%); highest among the groups gnomAD compares: South Asian, 0.0022%; no homozygotes.

Submission:

Labcorp Genetics (formerly Invitae), Labcorp
Classification: Uncertain significance for Hereditary spastic paraplegia 48. Last evaluated: 2022-08-02. Review status: criteria provided, single submitter. Criteria: Invitae Variant Classification Sherloc (09022015). Collection method: clinical testing. Allele origin: germline.
Comment: This sequence change falls in intron 13 of the AP5Z1 gene. It does not directly change the encoded amino acid sequence of the AP5Z1 protein. It affects a nucleotide within the consensus splice site. The frequency data for this variant in the population databases is considered unreliable, as metrics indicate poor data quality at this position in the gnomAD database. This variant has not been reported in the literature in individuals affected with AP5Z1-related conditions. Variants that disrupt the consensus splice site are a relatively common cause of aberrant splicing (PMID: 17576681, 9536098). Algorithms developed to predict the effect of sequence changes on RNA splicing suggest that this variant is not likely to affect RNA splicing. In summary, the available evidence is currently insufficient to determine the role of this variant in disease. Therefore, it has been classified as a Variant of Uncertain Significance.

Literature cited by the submitters: PubMed 17576681; PubMed 9536098.

NM_014855.3(AP5Z1):c.1707+5G>A

Gene: AP5Z1 (adaptor related protein complex 5 subunit zeta 1; plus strand). Cytogenetic location: 7p22.1.
Variant type: single nucleotide variant.
Coding change: c.1707+5G>A on transcript NM_014855.3 (MANE Select); 5 bases into the intron after coding-DNA position 1707, G replaced by A.
Molecular consequence: intron variant.
Genome position (GRCh38, 1-based): chr7:4,788,956, G>A. VCF-style: chr7-4788956-G-A. GRCh37 (hg19) VCF-style: chr7-4828587-G-A.
Other names: c.1239+5G>A (NM_001364858.1).
Identifiers: ClinVar variation 2130739 (VCV002130739.2), dbSNP rs1341463491, ClinGen allele CA572819763.